The following is an entry in ClinVar:

NM_003091.4(SNRPB):c.112A>G (p.Met38Val)

Gene: SNRPB (small nuclear ribonucleoprotein polypeptides B and B1; minus strand). Cytogenetic location: 20p13.
Variant type: single nucleotide variant.
Coding change: c.112A>G on transcript NM_003091.4 (MANE Select); coding-DNA position 112, A replaced by G.
Protein change: p.Met38Val; replaces methionine 38 with valine.
Molecular consequence: missense variant.
Genome position (GRCh38, 1-based): chr20:2,467,650, T>C on the plus strand (A>G on the coding strand, the complement: SNRPB is on the minus strand). VCF-style: chr20-2467650-T-C. GRCh37 (hg19) VCF-style: chr20-2448296-T-C.
Other names: c.112A>G, p.Met38Val (NM_198216.2); short protein forms M38V.
Identifiers: ClinVar variation 2887890 (VCV002887890.3), dbSNP rs763289940, ClinGen allele CA9732529.

ClinVar aggregate classification (germline): Uncertain significance (1 of 4 stars; one submission).

Allele frequency attached by ClinVar (database versions not stated): TOPMed below 0.00001; ExAC 0.00001; gnomAD exomes below 0.00001.
gnomAD v4.1: 7 of 1,614,194 alleles (0.00043%); highest among the groups gnomAD compares: Non-Finnish European, 0.00059%; no homozygotes.

Submission:

Labcorp Genetics (formerly Invitae), Labcorp
Classification: Uncertain significance. Last evaluated: 2025-03-23. Review status: criteria provided, single submitter. Criteria: Invitae Variant Classification Sherloc (09022015). Collection method: clinical testing. Allele origin: germline.
Comment: This sequence change replaces methionine, which is neutral and non-polar, with valine, which is neutral and non-polar, at codon 38 of the SNRPB protein (p.Met38Val). This variant is present in population databases (rs763289940, gnomAD 0.003%). This variant has not been reported in the literature in individuals affected with SNRPB-related conditions. ClinVar contains an entry for this variant (Variation ID: 2887890). An algorithm developed to predict the effect of missense changes on protein structure and function (PolyPhen-2) suggests that this variant is likely to be disruptive. In summary, the available evidence is currently insufficient to determine the role of this variant in disease. Therefore, it has been classified as a Variant of Uncertain Significance.